The following is an entry in ClinVar:

ClinVar aggregate classification (germline): Conflicting classifications of pathogenicity. Review status: criteria provided, conflicting classifications (1 of 4 stars). 5 submissions from 5 submitters: Uncertain significance (3); Likely benign (2). Last evaluated 2025-07-29.

Conditions:
Hereditary cancer-predisposing syndrome. Also called: Tumor predisposition; Hereditary Cancer Syndrome; Hereditary neoplastic syndrome; Neoplastic Syndromes, Hereditary. Identifiers: Orphanet 140162, MedGen C0027672, MeSH D009386, MONDO:0015356.
Ataxia-telangiectasia syndrome (AT). Also called: Ataxia telangiectasia (A-T); LOUIS-BAR SYNDROME; Cerebello-oculocutaneous telangiectasia; Immunodeficiency with ataxia telangiectasia; ATAXIA-TELANGIECTASIA, COMPLEMENTATION GROUP A; ATAXIA-TELANGIECTASIA, FRESNO VARIANT. Identifiers: Orphanet 100, MedGen C0004135, MONDO:0008840, OMIM 208900.

Allele frequency attached by ClinVar (database versions not stated): gnomAD exomes below 0.00001; gnomAD 0.00001; TOPMed 0.00001.
gnomAD v4.1: 5 of 1,613,780 alleles (0.00031%); highest among the groups gnomAD compares: Non-Finnish European, 0.00042%; no homozygotes.

Submissions (5):

Color Diagnostics, LLC DBA Color Health
Classification: Likely benign for Hereditary cancer-predisposing syndrome. Last evaluated: 2025-07-29. Review status: criteria provided, single submitter. Criteria: ACMG Guidelines, 2015. Collection method: clinical testing. Allele origin: germline.

Ambry Genetics
Classification: Likely benign for Hereditary cancer-predisposing syndrome. Last evaluated: 2025-03-11. Review status: criteria provided, single submitter. Criteria: Ambry Variant Classification Scheme 2023. Collection method: clinical testing. Allele origin: germline.

Center for Genomic Medicine, Rigshospitalet, Copenhagen University Hospital
Classification: Uncertain significance. Last evaluated: 2025-03-04. Review status: criteria provided, single submitter. Criteria: ACMG Guidelines, 2015. Collection method: clinical testing. Allele origin: germline.

Labcorp Genetics (formerly Invitae), Labcorp
Classification: Uncertain significance for Ataxia-telangiectasia syndrome. Last evaluated: 2024-09-10. Review status: criteria provided, single submitter. Criteria: Invitae Variant Classification Sherloc (09022015). Collection method: clinical testing. Allele origin: germline.
Comment: This sequence change replaces alanine, which is neutral and non-polar, with valine, which is neutral and non-polar, at codon 1052 of the ATM protein (p.Ala1052Val). This variant is not present in population databases (gnomAD no frequency). This variant has not been reported in the literature in individuals affected with ATM-related conditions. ClinVar contains an entry for this variant (Variation ID: 233351). An algorithm developed to predict the effect of missense changes on protein structure and function outputs the following: PolyPhen-2: "Benign". The valine amino acid residue is found in multiple mammalian species, which suggests that this missense change does not adversely affect protein function. In summary, the available evidence is currently insufficient to determine the role of this variant in disease. Therefore, it has been classified as a Variant of Uncertain Significance.

GeneDx
Classification: Uncertain significance. Last evaluated: 2023-09-08. Review status: criteria provided, single submitter. Criteria: GeneDx Variant Classification Process June 2021. Collection method: clinical testing. Allele origin: germline. Affected: yes.
Comment: Not observed at significant frequency in large population cohorts (gnomAD); In silico analysis supports that this missense variant does not alter protein structure/function; Has not been previously published as pathogenic or benign to our knowledge; This variant is associated with the following publications: (PMID: 19781682, 30863158, 28779002)

Literature cited by the submitters: PubMed 28779002 (cited by Ambry Genetics).

NM_000051.4(ATM):c.3155C>T (p.Ala1052Val)

Gene: ATM (ATM serine/threonine kinase; plus strand). Cytogenetic location: 11q22.3.
Variant type: single nucleotide variant.
Coding change: c.3155C>T on transcript NM_000051.4 (MANE Select); coding-DNA position 3155, C replaced by T.
Protein change: p.Ala1052Val; replaces alanine 1052 with valine.
Molecular consequence: missense variant.
Genome position (GRCh38, 1-based): chr11:108,272,723, C>T. VCF-style: chr11-108272723-C-T. GRCh37 (hg19) VCF-style: chr11-108143450-C-T.
Other names: c.3155C>T, p.Ala1052Val (NM_001351834.2); short protein forms A1052V.
Identifiers: ClinVar variation 233351 (VCV000233351.20), dbSNP rs876660350, ClinGen allele CA10579087.
Genomic context (GRCh38, chr11:108,272,723, plus strand): 5'-TGTTTGTTAATGAGTAATTTTTCTCTATTTCATATTTAACCACAGTTCTTTTCCCGTAGG[C>T]TGATCCTTATTCAAAATGGGCCATTCTTAATGTAATGGGAAAAGACTTTCCTGTAAATGA-3'
Protein context (NP_000042.3, residues 1042-1062): LVNCLKTLLE[Ala1052Val]DPYSKWAILN